The following is an entry in ClinVar:

NM_005857.5(ZMPSTE24):c.46G>C (p.Glu16Gln)

Genes: ZMPSTE24 (zinc metallopeptidase STE24; plus strand), LOC129930253 (ATAC-STARR-seq lymphoblastoid active region 836; plus strand). Cytogenetic location: 1p34.2.
Variant type: single nucleotide variant.
Coding change: c.46G>C on transcript NM_005857.5 (MANE Select); coding-DNA position 46, G replaced by C.
Protein change: p.Glu16Gln; replaces glutamic acid 16 with glutamine.
Molecular consequence: missense variant.
Genome position (GRCh38, 1-based): chr1:40,258,317, G>C. VCF-style: chr1-40258317-G-C. GRCh37 (hg19) VCF-style: chr1-40723989-G-C.
Other names: short protein forms E16Q.
Identifiers: ClinVar variation 3690951 (VCV003690951.1).

ClinVar aggregate classification (germline): Uncertain significance (1 of 4 stars; one submission).

gnomAD v4.1: 13 of 1,614,148 alleles (0.00081%); highest among the groups gnomAD compares: South Asian, 0.0077%; no homozygotes.

Submission:

Labcorp Genetics (formerly Invitae), Labcorp
Classification: Uncertain significance. Last evaluated: 2024-07-12. Review status: criteria provided, single submitter. Criteria: Invitae Variant Classification Sherloc (09022015). Collection method: clinical testing. Allele origin: germline.
Comment: This sequence change replaces glutamic acid, which is acidic and polar, with glutamine, which is neutral and polar, at codon 16 of the ZMPSTE24 protein (p.Glu16Gln). This variant is present in population databases (rs1046247, gnomAD 0.003%). This variant has not been reported in the literature in individuals affected with ZMPSTE24-related conditions. An algorithm developed to predict the effect of missense changes on protein structure and function (PolyPhen-2) suggests that this variant is likely to be disruptive. In summary, the available evidence is currently insufficient to determine the role of this variant in disease. Therefore, it has been classified as a Variant of Uncertain Significance.